The following is an entry in ClinVar:

ClinVar aggregate classification (germline): Uncertain significance (1 of 4 stars; one submission).

Allele frequency attached by ClinVar (database versions not stated): gnomAD 0.00002; TOPMed 0.00002; gnomAD exomes 0.00006 and 0.00001; ExAC 0.00007.

Submission:

GeneDx
Classification: Uncertain significance. Last evaluated: 2021-11-30. Review status: criteria provided, single submitter. Criteria: GeneDx Variant Classification Process June 2021. Collection method: clinical testing. Allele origin: germline. Affected: yes.
Comment: Has not been previously published as pathogenic or benign to our knowledge; In silico analysis supports that this missense variant has a deleterious effect on protein structure/function

NM_005557.4(KRT16):c.653C>A (p.Ala218Asp)

Gene: KRT16 (keratin 16; minus strand). Cytogenetic location: 17q21.2.
Variant type: single nucleotide variant.
Coding change: c.653C>A on transcript NM_005557.4 (MANE Select); coding-DNA position 653, C replaced by A.
Protein change: p.Ala218Asp; replaces alanine 218 with aspartic acid.
Molecular consequence: missense variant.
Genome position (GRCh38, 1-based): chr17:41,611,463, G>T on the plus strand (C>A on the coding strand, the complement: KRT16 is on the minus strand). VCF-style: chr17-41611463-G-T. GRCh37 (hg19) VCF-style: chr17-39767715-G-T.
Other names: short protein forms A218D.
Identifiers: ClinVar variation 1691174 (VCV001691174.2), dbSNP rs761840536, ClinGen allele CA8563169.